The following is an entry in ClinVar:

NM_000545.8(HNF1A):c.732_733del (p.Ser247fs)

Gene: HNF1A (HNF1 homeobox A; plus strand). Cytogenetic location: 12q24.31.
Variant type: Microsatellite.
Coding change: c.732_733del on transcript NM_000545.8 (MANE Select); coding-DNA positions 732 to 733, 2 bases deleted (AG; older notation c.732_733delAG).
Protein change: p.Ser247fs; shifts the reading frame from serine 247.
Molecular consequence: frameshift variant.
Genome position (GRCh38, 1-based): chr12:120,994,182-120,994,183, AG deleted; deleting any 2 consecutive bases within chr12:120,994,178-120,994,183 gives the same sequence; the c. name uses the placement nearest the transcript's 3' end. VCF-style (leftmost placement, unchanged base first): chr12-120994177-CAG-C. GRCh37 (hg19) VCF-style: chr12-121431980-CAG-C.
Other names: c.732_733del, p.Ser247fs (NM_001306179.2, NM_001406915.1); short protein forms S247fs.
Identifiers: ClinVar variation 4279062 (VCV004279062.1).
Genomic context (GRCh38, chr12:120,994,177, plus strand): 5'-GTTCCTCTGAGCCTGGCCTGGAGGCTCATGGGTGGCTATTTCTGCAGGGCGGAATGCATC[CAG>C]AGAGGGGTGTCCCCATCACAGGCACAGGGGCTGGGCTCCAACCTCGTCACGGAGGTGCGT-3'

ClinVar aggregate classification (germline): Pathogenic (1 of 4 stars; one submission).

Conditions:
Maturity-onset diabetes of the young type 3. Also called: MODY type 3; MODY, type III. Identifiers: Orphanet 552, MedGen C1838100, MeSH C563933, MONDO:0010894, OMIM 600496. Disease mechanism: loss of function.

Submission:

Institute of Immunology and Genetics Kaiserslautern
Classification: Pathogenic for Maturity-onset diabetes of the young type 3. Last evaluated: 2025-07-22. Review status: criteria provided, single submitter. Criteria: ACMG Guidelines, 2015. Collection method: clinical testing. Allele origin: germline. Affected: yes.
Comment: ACMG Criteria: PVS1, PM2, PP4; Variant was found in heterozygous state.